The following is an entry in ClinVar:

ClinVar aggregate classification (germline): Uncertain significance. Review status: criteria provided, multiple submitters, no conflicts (2 of 4 stars). 2 submissions from 2 submitters: Uncertain significance (2). Last evaluated 2023-12-17.

Allele frequency attached by ClinVar (database versions not stated): TOPMed below 0.00001; ExAC 0.00001.
gnomAD v4.1: 18 of 1,597,926 alleles (0.0011%); highest among the groups gnomAD compares: East Asian, 0.0023%; no homozygotes.

Submissions (2):

Ambry Genetics
Classification: Uncertain significance. Last evaluated: 2023-12-17. Review status: criteria provided, single submitter. Criteria: Ambry Variant Classification Scheme 2023. Collection method: clinical testing. Allele origin: germline.

Labcorp Genetics (formerly Invitae), Labcorp
Classification: Uncertain significance. Last evaluated: 2022-03-18. Review status: criteria provided, single submitter. Criteria: Invitae Variant Classification Sherloc (09022015). Collection method: clinical testing. Allele origin: germline.
Comment: Algorithms developed to predict the effect of missense changes on protein structure and function are either unavailable or do not agree on the potential impact of this missense change (SIFT: "Deleterious"; PolyPhen-2: "Benign"; Align-GVGD: "Class C0"). This variant has not been reported in the literature in individuals affected with AGAP1-related conditions. The frequency data for this variant in the population databases is considered unreliable, as metrics indicate poor data quality at this position in the gnomAD database. This sequence change replaces glycine, which is neutral and non-polar, with serine, which is neutral and polar, at codon 343 of the AGAP1 protein (p.Gly343Ser). In summary, the available evidence is currently insufficient to determine the role of this variant in disease. Therefore, it has been classified as a Variant of Uncertain Significance.

NM_001037131.3(AGAP1):c.1027G>A (p.Gly343Ser)

Gene: AGAP1 (ArfGAP with GTPase domain, ankyrin repeat and PH domain 1; plus strand). Cytogenetic location: 2q37.2.
Variant type: single nucleotide variant.
Coding change: c.1027G>A on transcript NM_001037131.3 (MANE Select); coding-DNA position 1027, G replaced by A.
Protein change: p.Gly343Ser; replaces glycine 343 with serine.
Molecular consequence: missense variant.
Genome position (GRCh38, 1-based): chr2:235,807,308, G>A. VCF-style: chr2-235807308-G-A. GRCh37 (hg19) VCF-style: chr2-236715952-G-A.
Other names: c.1027G>A (NM_001037131.2); c.1027G>A, p.Gly343Ser (NM_001244888.2, NM_001412122.1, NM_014914.5); short protein forms G343S.
Identifiers: ClinVar variation 2005158 (VCV002005158.5), dbSNP rs781108655, ClinGen allele CA2184664.